The following is an entry in ClinVar:

ClinVar aggregate classification (germline): Likely pathogenic (1 of 4 stars; one submission).

Conditions:
Hyperinsulinemic hypoglycemia, familial, 1 (HHF1). Also called: HYPERINSULINISM, FAMILIAL, WITH PANCREATIC NESIDIOBLASTOSIS; HYPOGLYCEMIA, HYPERINSULINEMIC, OF INFANCY; NESIDIOBLASTOSIS OF PANCREAS; Persistent hyperinsulinemic hypoglycemia of infancy; Persistent Hyperinsulinemia Hypoglycemia of Infancy. Identifiers: Orphanet 276575, Orphanet 276598, MedGen C2931832, MONDO:0009734, OMIM 256450.

Submission:

Myriad Genetics, Inc.
Classification: Likely pathogenic for Hyperinsulinemic hypoglycemia, familial, 1. Last evaluated: 2022-02-17. Review status: criteria provided, single submitter. Criteria: Myriad Women's Health Autosomal Recessive and X-Linked Classification Criteria (2021). Collection method: clinical testing. Allele origin: unknown.
Comment: NM_000352.3(ABCC8):c.1040C>G(S347*) is expected to be pathogenic in the context of familial hyperinsulinism, ABCC8-related. This variant is predicted to lead to an abnormal or absent protein product due to the creation of a premature termination codon in ABCC8, a gene where loss-of-function variants are known to be pathogenic. Please note: this variant was assessed in the context of healthy population screening.

NM_000352.6(ABCC8):c.1040C>G (p.Ser347Ter)

Gene: ABCC8 (ATP binding cassette subfamily C member 8; minus strand). Cytogenetic location: 11p15.1.
Variant type: single nucleotide variant.
Coding change: c.1040C>G on transcript NM_000352.6 (MANE Select); coding-DNA position 1040, C replaced by G.
Protein change: p.Ser347Ter; replaces serine 347 with a stop codon.
Molecular consequence: nonsense. On other transcripts: non-coding transcript variant (1).
Genome position (GRCh38, 1-based): chr11:17,453,255, G>C on the plus strand (C>G on the coding strand, the complement: ABCC8 is on the minus strand). VCF-style: chr11-17453255-G-C. GRCh37 (hg19) VCF-style: chr11-17474802-G-C.
Other names: c.1040C>G, p.Ser347Ter (NM_001287174.3, NM_001351295.2); c.1037C>G, p.Ser346Ter (NM_001351296.2, NM_001351297.2); short protein forms S346*, S347*.
Identifiers: ClinVar variation 1724670 (VCV001724670.2), dbSNP rs2496811011, ClinGen allele CA379771354.